The following is an entry in ClinVar:

ClinVar aggregate classification (germline): Benign. Review status: reviewed by expert panel (3 of 4 stars). 16 submissions from 16 submitters: Benign (1). 15 of the submissions do not count toward it. Last evaluated 2015-01-09.

Conditions:
MSH6-related disorder. Also called: MSH6-related condition; MSH6-Related disorders.
Hereditary nonpolyposis colorectal neoplasms. Identifiers: MedGen C0009405, MeSH D003123.
Hereditary cancer-predisposing syndrome. Also called: Hereditary Cancer Syndrome; Neoplastic Syndromes, Hereditary; Tumor predisposition; Hereditary neoplastic syndrome. Identifiers: Orphanet 140162, MedGen C0027672, MeSH D009386, MONDO:0015356.
Lynch syndrome. Identifiers: Orphanet 144, MedGen C4552100, MONDO:0005835. Disease mechanism: loss of function.
Lynch syndrome 5 (LYNCH5). Also called: Hereditary non-polyposis colorectal cancer, type 5; Colorectal cancer, hereditary nonpolyposis, type 5. Identifiers: Orphanet 144, MedGen C1833477, MONDO:0013710, OMIM 614350. Disease mechanism: loss of function.
Carcinoma of colon (CRC). Also called: Colon carcinoma; Colonic carcinoma. Identifiers: MedGen C0699790, MONDO:0002032.

Allele frequency attached by ClinVar (database versions not stated): gnomAD exomes 0.00034 and 0.00021; 1000 Genomes Project 0.01038; gnomAD 0.00004 and 0.00010; 1000 Genomes Project 30x 0.00031; ExAC 0.00044.

Submissions (17):

International Society for Gastrointestinal Hereditary Tumours (InSiGHT)
Classification: Benign for Hereditary nonpolyposis colon cancer. Last evaluated: 2015-01-09. Review status: reviewed by expert panel. Criteria: Guidelines v1.9. Collection method: research. Allele origin: germline.

Labcorp Genetics (formerly Invitae), Labcorp
Classification: Likely benign for Hereditary nonpolyposis colorectal neoplasms. Last evaluated: 2026-01-26. Review status: criteria provided, single submitter. Criteria: Invitae Variant Classification Sherloc (09022015). Collection method: clinical testing. Allele origin: germline. Not counted in ClinVar's aggregate classification.

Myriad Genetics, Inc.
Classification: Benign for Lynch syndrome 5. Last evaluated: 2025-11-04. Review status: criteria provided, single submitter. Criteria: Myriad Autosomal Dominant, Autosomal Recessive and X-Linked Classification Criteria (2023). Collection method: clinical testing. Allele origin: unknown. Not counted in ClinVar's aggregate classification.
Comment: This variant is considered benign. This variant is intronic and is not expected to impact mRNA splicing. This variant is strongly associated with less severe personal and family histories of cancer, typical for individuals without pathogenic variants in this gene [PMID: 27363726]. This variant has been observed in trans with a known pathogenic variant in one or more individuals lacking clinical features consistent with gene-specific recessive disease.

Center for Genomic Medicine, Rigshospitalet, Copenhagen University Hospital
Classification: Benign. Last evaluated: 2025-03-04. Review status: criteria provided, single submitter. Criteria: ACMG Guidelines, 2015. Collection method: clinical testing. Allele origin: germline. Not counted in ClinVar's aggregate classification.

Mayo Clinic Laboratories, Mayo Clinic
Classification: Likely benign. Last evaluated: 2024-12-17. Review status: criteria provided, single submitter. Criteria: ACMG Guidelines, 2015. Collection method: clinical testing. Allele origin: germline. Observed: 2 variant alleles. Not counted in ClinVar's aggregate classification.
Comment: BS1, BP4

Blueprint Genetics
Classification: Likely benign. Last evaluated: 2024-10-01. Review status: criteria provided, single submitter. Criteria: ACMG Guidelines, 2015. Collection method: clinical testing. Allele origin: germline. Not counted in ClinVar's aggregate classification.

Color Diagnostics, LLC DBA Color Health
Classification: Benign for Hereditary cancer-predisposing syndrome. Last evaluated: 2022-01-02. Review status: criteria provided, single submitter. Criteria: ACMG Guidelines, 2015. Collection method: clinical testing. Allele origin: germline. Not counted in ClinVar's aggregate classification.

Sema4
Classification: Likely benign for Hereditary cancer-predisposing syndrome. Last evaluated: 2021-08-10. Review status: criteria provided, single submitter. Criteria: Sema4 Curation Guidelines. Collection method: curation. Allele origin: germline. Not counted in ClinVar's aggregate classification.

Ambry Genetics
Classification: Benign for Hereditary cancer-predisposing syndrome. Last evaluated: 2019-04-11. Review status: criteria provided, single submitter. Criteria: Ambry Variant Classification Scheme 2023. Collection method: clinical testing. Allele origin: germline. Not counted in ClinVar's aggregate classification.

Women's Health and Genetics/Laboratory Corporation of America, LabCorp
Classification: Benign. Last evaluated: 2018-10-23. Review status: criteria provided, single submitter. Criteria: LabCorp Variant Classification Summary - May 2015. Collection method: clinical testing. Allele origin: germline. Not counted in ClinVar's aggregate classification.
Comment: Variant summary: MSH6 c.3557-3A>T alters a non-conserved nucleotide located close to a canonical splice site and therefore could affect mRNA splicing, leading to a significantly altered protein sequence. 5/5 computational tools predict no significant impact on normal splicing. These predictions were confirmed as the variant was found to not affect mRNA splicing or protein expression (Barnetson_2008). The variant allele was found at a frequency of 0.00034 in 230238 control chromosomes, predominantly at a frequency of 0.0024 within the South Asian subpopulation in the gnomAD database. The observed variant frequency within South Asian control individuals in the gnomAD database is approximately 17-folds higher than the estimated maximal expected allele frequency for a pathogenic variant in MSH6 causing Lynch Syndrome phenotype (0.00014), strongly suggesting that the variant is a benign polymorphism found primarily in populations of South Asian origin. c.3557-3A>T has been reported in the literature an individuals affected with colorectal cancer (Barnetson_2008). These report(s) do not provide unequivocal conclusions about association of the variant with Lynch Syndrome. Six ClinVar submissions from clinical diagnostic laboratories (evaluation after 2014) cites the variant five times as likely benign/benign and once as uncertain significance. Based on the evidence outlined above, the variant was classified as benign.

Illumina Laboratory Services, Illumina
Classification: Uncertain significance for Lynch syndrome 5. Last evaluated: 2018-01-13. Review status: criteria provided, single submitter. Criteria: ICSL Variant Classification Criteria 13 December 2019. Collection method: clinical testing. Allele origin: germline. Not counted in ClinVar's aggregate classification.

Quest Diagnostics Nichols Institute San Juan Capistrano
Classification: Benign. Last evaluated: 2017-02-11. Review status: criteria provided, single submitter. Criteria: Quest Diagnostics criteria. Collection method: clinical testing. Allele origin: germline. Not counted in ClinVar's aggregate classification.

GeneDx
Classification: Benign. Last evaluated: 2015-03-03. Review status: criteria provided, single submitter. Criteria: GeneDx Variant Classification Process June 2021. Collection method: clinical testing. Allele origin: germline. Affected: yes. Not counted in ClinVar's aggregate classification.

Breakthrough Genomics
Classification: Benign. Review status: criteria provided, single submitter. Criteria: ACMG Guidelines, 2015. Collection method: not provided. Allele origin: germline. Inheritance: Autosomal recessive inheritance. Affected: yes. Not counted in ClinVar's aggregate classification.

PreventionGenetics, part of Exact Sciences
Classification: Likely benign for MSH6-related condition. Last evaluated: 2019-03-29. Review status: no assertion criteria provided. Collection method: clinical testing. Allele origin: germline. Not counted in ClinVar's aggregate classification.
Comment: This variant is classified as likely benign based on ACMG/AMP sequence variant interpretation guidelines (Richards et al. 2015 PMID: 25741868, with internal and published modifications).

Department of Pathology and Laboratory Medicine, Sinai Health System
Classification: Likely benign for Carcinoma of colon. Review status: no assertion criteria provided. Collection method: clinical testing. Allele origin: unknown. Affected: yes. Study: The Canadian Open Genetics Repository (COGR). Not counted in ClinVar's aggregate classification.
Comment: The MSH6 c.3557-3A>T variant was identified in 1 of 1864 proband chromosomes (frequency: 0.001) from individuals or families with colorectal cancer and was not identified in 2242 control chromosomes from healthy individuals (Barnetson 2008). The variant was also identified in the following databases: dbSNP (ID: rs41295274), ClinVar (classified as benign by Insight, Color Genomics, QDNISJC; classified as likely benign by Ambry Genetics, Invitae), Clinvitae, Cosmic, UMD-LSDB (1X as neutral), Mismatch Repair Genes Variant Database, and the Insight Hereditary Tumors Database (class1). The variant was not identified in the COGR or Zhejiang Colon Cancer Database. The variant was identified in control databases in 79 of 230238 chromosomes at a frequency of 0.0003 (Genome Aggregation Database Feb 27, 2017). It was observed in the following populations: Other in 2 of 4924 chromosomes (freq: 0.0004), Latino in 2 of 30982 chromosomes (freq: 0.0001), European in 10 of 105232 chromosomes (freq: 0.0001), and South Asian in 65 of 27326 chromosomes (freq: 0.002); it was not observed in the African, Ashkenazi Jewish, East Asian, or Finnish populations. The c.3557-3A>T variant is located in the 3' splice region but does not affect the invariant -1 and -2 positions. However, positions -3 and -5 to -12 are part of the splicing consensus sequence and variants involving these positions sometimes affect splicing. In addition, 1 of 5 in silico or computational prediction software programs (SpliceSiteFinder, MaxEntScan, NNSPLICE, GeneSplicer, HumanSpliceFinder) predict a greater than 10% difference in splicing. However, RNA analysis for exon skipping in population study by Barnetson (2008) showed the variant has no effect on mRNA splicing or protein expression. In summary, based on the above information this variant meets our laboratory's criteria to be classified as likely benign.

Dr. Peter K. Rogan Lab, Western University
No classification provided (evidence only). Condition: Acute myeloid leukemia. Review status: no classification provided. Collection method: in vitro. Allele origin: not applicable. Functional consequence: retained intron. Not counted in ClinVar's aggregate classification.

Literature cited by the submitters: PubMed 27363726 (cited by Myriad Genetics, Inc.); PubMed 18033691 (cited by 3 submitters).

NM_000179.3(MSH6):c.3557-3A>T

Gene: MSH6 (mutS homolog 6; plus strand). Cytogenetic location: 2p16.3.
Variant type: single nucleotide variant.
Coding change: c.3557-3A>T on transcript NM_000179.3 (MANE Select); 3 bases into the intron before coding-DNA position 3557, A replaced by T.
Molecular consequence: intron variant.
Genome position (GRCh38, 1-based): chr2:47,805,615, A>T. VCF-style: chr2-47805615-A-T. GRCh37 (hg19) VCF-style: chr2-48032754-A-T.
Other names: p.?; c.2651-3A>T (NM_001281493.2, NM_001281494.2); c.3167-3A>T (NM_001281492.2).
Identifiers: ClinVar variation 89415 (VCV000089415.37), dbSNP rs41295274, ClinGen allele CA013384.